The following is an entry in ClinVar:

NM_004415.4(DSP):c.6939G>A (p.Glu2313=)

Gene: DSP (desmoplakin; plus strand). Cytogenetic location: 6p24.3.
Variant type: single nucleotide variant.
Coding change: c.6939G>A on transcript NM_004415.4 (MANE Select); coding-DNA position 6939, G replaced by A.
Protein change: p.Glu2313=; no amino-acid change (glutamic acid 2313 retained).
Molecular consequence: synonymous variant.
Genome position (GRCh38, 1-based): chr6:7,584,201, G>A. VCF-style: chr6-7584201-G-A. GRCh37 (hg19) VCF-style: chr6-7584434-G-A.
Other names: c.5142G>A, p.Glu1714= (NM_001008844.3); c.5610G>A, p.Glu1870= (NM_001319034.2).
Identifiers: ClinVar variation 923699 (VCV000923699.8), dbSNP rs1471693700, ClinGen allele CA448716695.

ClinVar aggregate classification (germline): Likely benign. Review status: criteria provided, multiple submitters, no conflicts (2 of 4 stars). 3 submissions from 3 submitters: Likely benign (3). Last evaluated 2023-02-24.

Conditions:
Arrhythmogenic cardiomyopathy with wooly hair and keratoderma. Also called: PALMOPLANTAR KERATODERMA WITH LEFT VENTRICULAR CARDIOMYOPATHY AND WOOLLY HAIR; Carvajal syndrome; Dilated cardiomyopathy with woolly hair and keratoderma; Arrhythmogenic cardiomyopathy with woolly hair and keratoderma. Identifiers: Orphanet 65282, MedGen C1854063, MONDO:0011581, OMIM 605676.
Arrhythmogenic right ventricular dysplasia 8 (ARVD8). Also called: Arrhythmogenic Right Ventricular Dysplasia/Cardiomyopathy 8; ARRHYTHMOGENIC RIGHT VENTRICULAR DYSPLASIA, FAMILIAL, 8; ARRHYTHMOGENIC RIGHT VENTRICULAR CARDIOMYOPATHY 8. Identifiers: MedGen C1843896, MONDO:0011831, OMIM 607450.
Cardiomyopathy (CMYO). Also called: Cardiomyopathies. Identifiers: Orphanet 167848, MedGen C0878544, MONDO:0004994, HP:0001638. Inheritance: Various modes of inheritance.

Allele frequency attached by ClinVar (database versions not stated): gnomAD exomes 0.00001.

Submissions (3):

All of Us Research Program, National Institutes of Health
Classification: Likely benign for Arrhythmogenic cardiomyopathy with wooly hair and keratoderma. Last evaluated: 2023-02-24. Review status: criteria provided, single submitter. Criteria: ACMG Guidelines, 2015. Collection method: clinical testing. Allele origin: germline. Inheritance: Autosomal dominant inheritance. Observed: 2 variant alleles, 2 heterozygotes.
Comment: This study involves interpretation of variants in research participants for the purpose of population health screening. Participant phenotype was not available at the time of variant classification. Additional details can be found in publication PMID: 35346344, PMCID: PMC8962531

Labcorp Genetics (formerly Invitae), Labcorp
Classification: Likely benign for Arrhythmogenic cardiomyopathy with wooly hair and keratoderma; Arrhythmogenic right ventricular dysplasia 8. Last evaluated: 2022-09-20. Review status: criteria provided, single submitter. Criteria: Invitae Variant Classification Sherloc (09022015). Collection method: clinical testing. Allele origin: germline.

Color Diagnostics, LLC DBA Color Health
Classification: Likely benign for Cardiomyopathy. Last evaluated: 2019-01-31. Review status: criteria provided, single submitter. Criteria: ACMG Guidelines, 2015. Collection method: clinical testing. Allele origin: germline.